The following is an entry in ClinVar:

ClinVar aggregate classification (germline): Benign/Likely benign. Review status: criteria provided, multiple submitters, no conflicts (2 of 4 stars). 3 submissions from 3 submitters: Benign (1); Likely benign (2). Last evaluated 2026-06-18.

Conditions:
Hereditary cancer-predisposing syndrome. Also called: Neoplastic Syndromes, Hereditary; Hereditary Cancer Syndrome; Hereditary neoplastic syndrome; Tumor predisposition. Identifiers: Orphanet 140162, MedGen C0027672, MeSH D009386, MONDO:0015356.
Polyps, multiple and recurrent inflammatory fibroid, gastrointestinal. Identifiers: MedGen C5193005, MONDO:0008285, OMIM 175510.
Gastrointestinal stromal tumor. Also called: Gastrointestinal stromal tumor, somatic; Gastrointestinal stroma tumor. Identifiers: Orphanet 44890, MedGen C0238198, MeSH D046152, MONDO:0011719, OMIM 606764, HP:0100723.

Submissions (3):

Myriad Genetics, Inc.
Classification: Benign for Polyps, multiple and recurrent inflammatory fibroid, gastrointestinal. Last evaluated: 2026-06-18. Review status: criteria provided, single submitter. Criteria: Myriad Autosomal Dominant, Autosomal Recessive and X-Linked Classification Criteria (2023). Collection method: clinical testing. Allele origin: unknown.
Comment: This variant is considered benign. This variant is a silent/synonymous amino acid change and it is not expected to impact splicing.

Labcorp Genetics (formerly Invitae), Labcorp
Classification: Likely benign for Gastrointestinal stromal tumor. Last evaluated: 2024-02-29. Review status: criteria provided, single submitter. Criteria: Invitae Variant Classification Sherloc (09022015). Collection method: clinical testing. Allele origin: germline.

Ambry Genetics
Classification: Likely benign for Hereditary cancer-predisposing syndrome. Last evaluated: 2022-11-02. Review status: criteria provided, single submitter. Criteria: Ambry Variant Classification Scheme 2023. Collection method: clinical testing. Allele origin: germline.

NM_006206.6(PDGFRA):c.3132C>G (p.Thr1044=)

Gene: PDGFRA (platelet derived growth factor receptor alpha; plus strand). Cytogenetic location: 4q12.
Variant type: single nucleotide variant.
Coding change: c.3132C>G on transcript NM_006206.6 (MANE Select); coding-DNA position 3132, C replaced by G.
Protein change: p.Thr1044=; no amino-acid change (threonine 1044 retained).
Molecular consequence: synonymous variant.
Genome position (GRCh38, 1-based): chr4:54,295,134, C>G. VCF-style: chr4-54295134-C-G. GRCh37 (hg19) VCF-style: chr4-55161301-C-G.
Other names: c.3207C>G, p.Thr1069= (NM_001347828.2); c.3132C>G, p.Thr1044= (NM_001347829.2); c.3171C>G, p.Thr1057= (NM_001347830.2).
Identifiers: ClinVar variation 756983 (VCV000756983.11), dbSNP rs1577755480, ClinGen allele CA439287675.